The following is an entry in ClinVar:

ClinVar aggregate classification (germline): Uncertain significance (1 of 4 stars; one submission).

Allele frequency attached by ClinVar (database versions not stated): gnomAD exomes 0.00001.
gnomAD v4.1: 2 of 1,612,376 alleles (0.00012%); highest among the groups gnomAD compares: Admixed American, 0.0033%; no homozygotes.

Submission:

Labcorp Genetics (formerly Invitae), Labcorp
Classification: Uncertain significance. Last evaluated: 2024-05-15. Review status: criteria provided, single submitter. Criteria: Invitae Variant Classification Sherloc (09022015). Collection method: clinical testing. Allele origin: germline.
Comment: This sequence change replaces leucine, which is neutral and non-polar, with glutamine, which is neutral and polar, at codon 1306 of the COL18A1 protein (p.Leu1306Gln). This variant is present in population databases (no rsID available, gnomAD 0.006%). This variant has not been reported in the literature in individuals affected with COL18A1-related conditions. ClinVar contains an entry for this variant (Variation ID: 1359094). Experimental studies and prediction algorithms are not available or were not evaluated, and the functional significance of this variant is currently unknown. In summary, the available evidence is currently insufficient to determine the role of this variant in disease. Therefore, it has been classified as a Variant of Uncertain Significance.

NM_001379500.1(COL18A1):c.3926T>A (p.Leu1309Gln)

Genes: COL18A1 (collagen type XVIII alpha 1 chain; plus strand), SLC19A1 (solute carrier family 19 member 1; minus strand). Cytogenetic location: 21q22.3.
Variant type: single nucleotide variant.
Coding change: c.3926T>A on transcript NM_001379500.1 (MANE Select); coding-DNA position 3926, T replaced by A.
Protein change: p.Leu1309Gln; replaces leucine 1309 with glutamine.
Molecular consequence: missense variant.
Genome position (GRCh38, 1-based): chr21:45,512,304, T>A. VCF-style: chr21-45512304-T-A. GRCh37 (hg19) VCF-style: chr21-46932218-T-A.
Other names: c.4457T>A, p.Leu1486Gln (NM_030582.4); c.5162T>A, p.Leu1721Gln (NM_130444.3); short protein forms L1486Q, L1721Q, L1309Q.
Identifiers: ClinVar variation 1359094 (VCV001359094.6), dbSNP rs1568957369, ClinGen allele CA410502330.